The following is an entry in ClinVar:

NM_001372066.1(TFAP2A):c.450G>T (p.Ser150=)

Gene: TFAP2A (transcription factor AP-2 alpha; minus strand). Cytogenetic location: 6p24.3.
Variant type: single nucleotide variant.
Coding change: c.450G>T on transcript NM_001372066.1 (MANE Select); coding-DNA position 450, G replaced by T.
Protein change: p.Ser150=; no amino-acid change (serine 150 retained).
Molecular consequence: synonymous variant.
Genome position (GRCh38, 1-based): chr6:10,409,937, C>A on the plus strand (G>T on the coding strand, the complement: TFAP2A is on the minus strand). VCF-style: chr6-10409937-C-A. GRCh37 (hg19) VCF-style: chr6-10410170-C-A.
Other names: c.426G>T, p.Ser142= (NM_001032280.3); c.432G>T, p.Ser144= (NM_001042425.3).
Identifiers: ClinVar variation 5040854 (VCV005040854.1).
Genomic context (GRCh38, chr6:10,409,937, plus strand): 5'-CGCGCTGGTTGCGCGGCCTCTTACCGGGACCTCCTCGATGGCGTGAGGTAAGGAGTGGAT[C>A]GAGAGGTCTCCGAGTCCTGAGCTGAGCGCGTGTGGGCCGTGCAGGAGGTCCTCGTGCCGC-3'
Protein context (NP_001358995.1, residues 140-160): HALSSGLGDL[Ser150=]IHSLPHAIEE

ClinVar aggregate classification (germline): Likely benign (1 of 4 stars; one submission).

gnomAD v4.1: 30 of 1,556,844 alleles (0.0019%); highest among the groups gnomAD compares: Admixed American, 0.0039%; no homozygotes.

Submission:

CeGaT Center for Human Genetics Tuebingen
Classification: Likely benign. Last evaluated: 2026-09-01. Review status: criteria provided, single submitter. Criteria: CeGaT Center For Human Genetics Tuebingen Variant Classification Criteria Version 2. Collection method: clinical testing. Allele origin: germline. Affected: yes. Observed: 1 variant allele.
Comment: TFAP2A: BP4, BP7